The following is an entry in ClinVar:

NM_001846.4(COL4A2):c.1814A>C (p.Tyr605Ser)

Gene: COL4A2 (collagen type IV alpha 2 chain; plus strand). Cytogenetic location: 13q34.
Variant type: single nucleotide variant.
Coding change: c.1814A>C on transcript NM_001846.4 (MANE Select); coding-DNA position 1814, A replaced by C.
Protein change: p.Tyr605Ser; replaces tyrosine 605 with serine.
Molecular consequence: missense variant.
Genome position (GRCh38, 1-based): chr13:110,465,442, A>C. VCF-style: chr13-110465442-A-C. GRCh37 (hg19) VCF-style: chr13-111117789-A-C.
Other names: short protein forms Y605S.
Identifiers: ClinVar variation 4996292 (VCV004996292.1).
Genomic context (GRCh38, chr13:110,465,442, plus strand): 5'-AAATAAACTGAATTTTCACACAGGGTGATGGCATCAAGGGCCCTCCAGGGGACCCAGGCT[A>C]TCCAGGAATACCTGGAACGAAGGGTACTCCAGGAGAAATGGGCCCCCCAGGACTGGGCCT-3'
Protein context (NP_001837.2, residues 595-615): GIKGPPGDPG[Tyr605Ser]PGIPGTKGTP

ClinVar aggregate classification (germline): Uncertain significance (1 of 4 stars; one submission).

Conditions:
COL4A2-related disorder. Also called: COL4A2-related disorders; COL4A2-related condition.

gnomAD v4.1: 4 of 1,613,794 alleles (0.00025%); highest among the groups gnomAD compares: East Asian, 0.0022%; no homozygotes.

Submission:

PreventionGenetics, part of Exact Sciences
Classification: Uncertain significance for COL4A2-related condition. Last evaluated: 2025-09-14. Review status: criteria provided, single submitter. Criteria: ACMG Guidelines, 2015. Collection method: clinical testing. Allele origin: germline.
Comment: The COL4A2 c.1814A>C variant is predicted to result in the amino acid substitution p.Tyr605Ser. To our knowledge, this variant has not been reported in the literature or in a large population database (gnomAD), indicating this variant is rare. At this time, the clinical significance of this variant is uncertain due to the absence of conclusive functional and genetic evidence.